The following is an entry in ClinVar:

NM_000553.6(WRN):c.2310C>T (p.Tyr770=)

Gene: WRN (WRN RecQ like helicase; plus strand). Cytogenetic location: 8p12.
Variant type: single nucleotide variant.
Coding change: c.2310C>T on transcript NM_000553.6 (MANE Select); coding-DNA position 2310, C replaced by T.
Protein change: p.Tyr770=; no amino-acid change (tyrosine 770 retained).
Molecular consequence: synonymous variant.
Genome position (GRCh38, 1-based): chr8:31,116,390, C>T. VCF-style: chr8-31116390-C-T. GRCh37 (hg19) VCF-style: chr8-30973906-C-T.
Identifiers: ClinVar variation 2172622 (VCV002172622.4), dbSNP rs1801519418, ClinGen allele CA460217830.

ClinVar aggregate classification (germline): Uncertain significance (1 of 4 stars; one submission).

Conditions:
Werner syndrome (WRN). Identifiers: Orphanet 902, MedGen C0043119, MONDO:0010196, OMIM 277700.

Submission:

Labcorp Genetics (formerly Invitae), Labcorp
Classification: Uncertain significance for Werner syndrome. Last evaluated: 2022-04-03. Review status: criteria provided, single submitter. Criteria: Invitae Variant Classification Sherloc (09022015). Collection method: clinical testing. Allele origin: germline.
Comment: This sequence change affects codon 770 of the WRN mRNA. It is a 'silent' change, meaning that it does not change the encoded amino acid sequence of the WRN protein. This variant is not present in population databases (gnomAD no frequency). This variant has not been reported in the literature in individuals affected with WRN-related conditions. Algorithms developed to predict the effect of sequence changes on RNA splicing suggest that this variant may disrupt the consensus splice site. In summary, the available evidence is currently insufficient to determine the role of this variant in disease. Therefore, it has been classified as a Variant of Uncertain Significance.